The following is an entry in ClinVar:

NM_001267550.2(TTN):c.9650A>C (p.Glu3217Ala)

Gene: TTN (titin; minus strand). Cytogenetic location: 2q31.2.
Variant type: single nucleotide variant.
Coding change: c.9650A>C on transcript NM_001267550.2 (MANE Select); coding-DNA position 9650, A replaced by C.
Protein change: p.Glu3217Ala; replaces glutamic acid 3217 with alanine.
Molecular consequence: missense variant.
Genome position (GRCh38, 1-based): chr2:178,766,434, T>G on the plus strand (A>C on the coding strand, the complement: TTN is on the minus strand). VCF-style: chr2-178766434-T-G. GRCh37 (hg19) VCF-style: chr2-179631161-T-G.
Other names: c.9650A>C, p.Glu3217Ala (NM_001256850.1, NM_133378.4, NM_133379.5); c.9512A>C, p.Glu3171Ala (NM_003319.4, NM_133432.3, NM_133437.4); short protein forms E3171A, E3217A.
Identifiers: ClinVar variation 1329229 (VCV001329229.5), dbSNP rs1014216424, ClinGen allele CA60999944.

ClinVar aggregate classification (germline): Uncertain significance. Review status: criteria provided, multiple submitters, no conflicts (2 of 4 stars). 3 submissions from 3 submitters: Uncertain significance (3). Last evaluated 2022-02-08.

Conditions:
Hypertrophic cardiomyopathy 9. Also called: Familial hypertrophic cardiomyopathy 9. Identifiers: MedGen C1861065, MONDO:0013412, OMIM 613765.
Dilated cardiomyopathy 1G (CMD1G). Identifiers: Orphanet 154, MedGen C1858763, MONDO:0011400, OMIM 604145.
Tibial muscular dystrophy (TMD). Also called: UDD MYOPATHY; Tibial muscular dystrophy, tardive; Udd Distal Myopathy – Tibial Muscular Dystrophy. Identifiers: Orphanet 609, MedGen C1838244, MONDO:0010870, OMIM 600334.
Autosomal recessive limb-girdle muscular dystrophy type 2J (LGMDR10). Also called: Limb-girdle muscular dystrophy, type 2J; MUSCULAR DYSTROPHY, LIMB-GIRDLE, AUTOSOMAL RECESSIVE 10. Identifiers: Orphanet 140922, MedGen C1837342, MONDO:0012127, OMIM 608807.
Early-onset myopathy with fatal cardiomyopathy (CMYO5). Also called: Salih Myopathy; CONGENITAL MYOPATHY 5 WITH CARDIOMYOPATHY. Identifiers: Orphanet 289377, MedGen C2673677, MONDO:0012714, OMIM 611705. Disease mechanism: loss of function.
Myopathy, myofibrillar, 9, with early respiratory failure (MFM9). Also called: MYOPATHY, PROXIMAL, WITH EARLY RESPIRATORY MUSCLE INVOLVEMENT; Hereditary myopathy with early respiratory failure; Myopathy, distal, with early respiratory failure, autosomal dominant; EDSTROM MYOPATHY. Identifiers: Orphanet 178464, Orphanet 34521, MedGen C1863599, MONDO:0011362, OMIM 603689.
Cardiomyopathy (CMYO). Also called: Cardiomyopathies. Identifiers: Orphanet 167848, MedGen C0878544, MONDO:0004994, HP:0001638. Inheritance: Various modes of inheritance.
Cardiovascular phenotype. Identifiers: MedGen CN230736.

Allele frequency attached by ClinVar (database versions not stated): gnomAD 0.00003 and 0.00004; gnomAD exomes below 0.00001; TOPMed 0.00002.
gnomAD v4.1: 8 of 1,614,046 alleles (0.0005%); highest among the groups gnomAD compares: African/African-American, 0.011%; no homozygotes.

Submissions (3):

Fulgent Genetics
Classification: Uncertain significance for Tibial muscular dystrophy; Myopathy, myofibrillar, 9, with early respiratory failure; Dilated cardiomyopathy 1G; Autosomal recessive limb-girdle muscular dystrophy type 2J; Early-onset myopathy with fatal cardiomyopathy; Hypertrophic cardiomyopathy 9. Last evaluated: 2022-02-08. Review status: criteria provided, single submitter. Criteria: ACMG Guidelines, 2015. Collection method: clinical testing. Allele origin: unknown.

Ambry Genetics
Classification: Uncertain significance for Cardiovascular phenotype. Last evaluated: 2020-09-25. Review status: criteria provided, single submitter. Criteria: Ambry Variant Classification Scheme 2023. Collection method: clinical testing. Allele origin: germline.
Comment: The p.E3171A variant (also known as c.9512A>C), located in coding exon 39 of the TTN gene, results from an A to C substitution at nucleotide position 9512. The glutamic acid at codon 3171 is replaced by alanine, an amino acid with dissimilar properties. This amino acid position is highly conserved in available vertebrate species. In addition, the in silico prediction for this alteration is inconclusive. Since supporting evidence is limited at this time, the clinical significance of this alteration remains unclear.

CHEO Genetics Diagnostic Laboratory, Children's Hospital of Eastern Ontario
Classification: Uncertain significance for Cardiomyopathy. Last evaluated: 2020-02-18. Review status: criteria provided, single submitter. Criteria: ACMG Guidelines, 2015. Collection method: clinical testing. Allele origin: germline.